The following is an entry in ClinVar:

NM_000834.5(GRIN2B):c.1277G>A (p.Ser426Asn)

Gene: GRIN2B (glutamate ionotropic receptor NMDA type subunit 2B; minus strand). Cytogenetic location: 12p13.1.
Variant type: single nucleotide variant.
Coding change: c.1277G>A on transcript NM_000834.5 (MANE Select); coding-DNA position 1277, G replaced by A.
Protein change: p.Ser426Asn; replaces serine 426 with asparagine.
Molecular consequence: missense variant.
Genome position (GRCh38, 1-based): chr12:13,616,506, C>T on the plus strand (G>A on the coding strand, the complement: GRIN2B is on the minus strand). VCF-style: chr12-13616506-C-T. GRCh37 (hg19) VCF-style: chr12-13769440-C-T.
Other names: short protein forms S426N.
Identifiers: ClinVar variation 1306212 (VCV001306212.2), dbSNP rs2136481263, ClinGen allele CA384052553.

ClinVar aggregate classification (germline): Uncertain significance (1 of 4 stars; one submission).

Submission:

GeneDx
Classification: Uncertain significance. Last evaluated: 2019-06-03. Review status: criteria provided, single submitter. Criteria: GeneDx Variant Classification Process June 2021. Collection method: clinical testing. Allele origin: germline. Affected: yes.
Comment: Not observed in large population cohorts (Lek et al., 2016); In silico analysis, which includes protein predictors and evolutionary conservation, supports that this variant does not alter protein structure/function; Has not been previously published as pathogenic or benign to our knowledge